The following is an entry in ClinVar:

ClinVar aggregate classification (germline): Uncertain significance (1 of 4 stars; one submission).

gnomAD v4.1: 1 of 1,197,607 alleles (0.000083%); highest among the groups gnomAD compares: African/African-American, 0.0018%; no homozygotes.

Submission:

Greenwood Genetic Center Diagnostic Laboratories, Greenwood Genetic Center
Classification: Uncertain significance. Last evaluated: 2025-02-27. Review status: criteria provided, single submitter. Criteria: ACMG Guidelines, 2015. Collection method: clinical testing. Allele origin: germline.
Comment: PM2, BP4

NM_015365.3(AMMECR1):c.344C>T (p.Ser115Leu)

Gene: AMMECR1 (AMMECR nuclear protein 1; minus strand). Cytogenetic location: Xq23.
Variant type: single nucleotide variant.
Coding change: c.344C>T on transcript NM_015365.3 (MANE Select); coding-DNA position 344, C replaced by T.
Protein change: p.Ser115Leu; replaces serine 115 with leucine.
Molecular consequence: missense variant. On other transcripts: 5 prime UTR variant (1).
Genome position (GRCh38, 1-based): chrX:110,317,728, G>A on the plus strand (C>T on the coding strand, the complement: AMMECR1 is on the minus strand). VCF-style: chrX-110317728-G-A. GRCh37 (hg19) VCF-style: chrX-109560956-G-A.
Other names: c.344C>T, p.Ser115Leu (NM_001025580.2); c.-26C>T (NM_001171689.2); short protein forms S115L.
Identifiers: ClinVar variation 4851719 (VCV004851719.1).